The following is an entry in ClinVar:

ClinVar aggregate classification (germline): Uncertain significance (1 of 4 stars; one submission).

Allele frequency attached by ClinVar (database versions not stated): gnomAD 0.00001.
gnomAD v4.1: 3 of 1,607,190 alleles (0.00019%); highest among the groups gnomAD compares: African/African-American, 0.0013%; no homozygotes.

Submission:

GeneDx
Classification: Uncertain significance. Last evaluated: 2023-01-16. Review status: criteria provided, single submitter. Criteria: GeneDx Variant Classification Process June 2021. Collection method: clinical testing. Allele origin: germline. Affected: yes.
Comment: Not observed at significant frequency in large population cohorts (gnomAD); In silico analysis supports that this missense variant does not alter protein structure/function; Has not been previously published as pathogenic or benign to our knowledge

NM_014633.5(CTR9):c.2819G>A (p.Gly940Asp)

Gene: CTR9 (CTR9 homolog, Paf1/RNA polymerase II complex component; plus strand). Cytogenetic location: 11p15.4.
Variant type: single nucleotide variant.
Coding change: c.2819G>A on transcript NM_014633.5 (MANE Select); coding-DNA position 2819, G replaced by A.
Protein change: p.Gly940Asp; replaces glycine 940 with aspartic acid.
Molecular consequence: missense variant.
Genome position (GRCh38, 1-based): chr11:10,774,103, G>A. VCF-style: chr11-10774103-G-A. GRCh37 (hg19) VCF-style: chr11-10795650-G-A.
Other names: c.2747G>A, p.Gly916Asp (NM_001346279.2); short protein forms G916D, G940D.
Identifiers: ClinVar variation 2572894 (VCV002572894.1), dbSNP rs774266883, ClinGen allele CA379677597.